The following is an entry in ClinVar:

NM_001374353.1(GLI2):c.1658G>T (p.Gly553Val)

Gene: GLI2 (GLI family zinc finger 2; plus strand). Cytogenetic location: 2q14.2.
Variant type: single nucleotide variant.
Coding change: c.1658G>T on transcript NM_001374353.1 (MANE Select); coding-DNA position 1658, G replaced by T.
Protein change: p.Gly553Val; replaces glycine 553 with valine.
Molecular consequence: missense variant.
Genome position (GRCh38, 1-based): chr2:120,984,496, G>T. VCF-style: chr2-120984496-G-T. GRCh37 (hg19) VCF-style: chr2-121742072-G-T.
Other names: c.1709G>T, p.Gly570Val (NM_001371271.1, NM_005270.5); c.1283G>T, p.Gly428Val (NM_001374354.1); short protein forms G553V, G570V, G428V.
Identifiers: ClinVar variation 2942367 (VCV002942367.3), dbSNP rs765365609, ClinGen allele CA348162592.

ClinVar aggregate classification (germline): Uncertain significance (1 of 4 stars; one submission).

Conditions:
Postaxial polydactyly-anterior pituitary anomalies-facial dysmorphism syndrome. Also called: Culler-Jones syndrome. Identifiers: Orphanet 420584, MedGen C4014479, MONDO:0014369, OMIM 615849.
Holoprosencephaly 9 (HPE9). Also called: HOLOPROSENCEPHALY WITH MICROPHTHALMIA AND FIRST BRANCHIAL ARCH ANOMALIES; PITUITARY ANOMALIES WITH HOLOPROSENCEPHALY-LIKE FEATURES. Identifiers: Orphanet 2162, MedGen C1835819, MONDO:0012563, OMIM 610829.

Submission:

Labcorp Genetics (formerly Invitae), Labcorp
Classification: Uncertain significance for Postaxial polydactyly-anterior pituitary anomalies-facial dysmorphism syndrome; Holoprosencephaly 9. Last evaluated: 2022-12-16. Review status: criteria provided, single submitter. Criteria: Invitae Variant Classification Sherloc (09022015). Collection method: clinical testing. Allele origin: germline.
Comment: This variant has not been reported in the literature in individuals affected with GLI2-related conditions. This variant is not present in population databases (gnomAD no frequency). This sequence change replaces glycine, which is neutral and non-polar, with valine, which is neutral and non-polar, at codon 570 of the GLI2 protein (p.Gly570Val). In summary, the available evidence is currently insufficient to determine the role of this variant in disease. Therefore, it has been classified as a Variant of Uncertain Significance. Advanced modeling of protein sequence and biophysical properties (such as structural, functional, and spatial information, amino acid conservation, physicochemical variation, residue mobility, and thermodynamic stability) performed at Invitae indicates that this missense variant is expected to disrupt GLI2 protein function.